The following is an entry in ClinVar:

ClinVar aggregate classification (germline): Uncertain significance (1 of 4 stars; one submission).

Submission:

Ambry Genetics
Classification: Uncertain significance. Last evaluated: 2026-08-05. Review status: criteria provided, single submitter. Criteria: Ambry Variant Classification Scheme 2023. Collection method: clinical testing. Allele origin: germline.
Comment: The c.1767delA variant, located in coding exon 13 of the RECQL gene, results from a deletion of one nucleotide at nucleotide position 1767, causing a translational frameshift with a predicted alternate stop codon (p.V590*). This variant occurs at the 3' terminus of the gene and is not expected to trigger nonsense-mediated mRNA decay. Based on the available evidence, the clinical significance of this variant remains unclear.

NM_002907.4(RECQL):c.1767del (p.Gln589_Val590insTer)

Genes: PYROXD1 (pyridine nucleotide-disulphide oxidoreductase domain 1; plus strand), RECQL (RecQ like helicase; minus strand). Cytogenetic location: 12p12.1.
Variant type: Deletion.
Coding change: c.1767del on transcript NM_002907.4 (MANE Select); coding-DNA position 1767, one base deleted (A; older notation c.1767delA).
Protein change: p.Gln589_Val590insTer.
Molecular consequence: frameshift variant. On other transcripts: 3 prime UTR variant (3).
Genome position (GRCh38, 1-based): chr12:21,470,999, T deleted on the plus strand (A on the coding strand, the reverse complement: RECQL is on the minus strand); the first of 2 consecutive T bases (chr12:21,470,999-21,471,000); deleting either gives the same sequence. VCF-style (leftmost placement, unchanged base first): chr12-21470998-CT-C. GRCh37 (hg19) VCF-style: chr12-21623932-CT-C.
Other names: c.1767del, p.Gln589_Val590insTer (NM_032941.3); c.*2246del (NM_001350912.2, NM_001350913.2, NM_024854.5).
Identifiers: ClinVar variation 1779706 (VCV001779706.3), dbSNP rs2540313334, ClinGen allele CA2580085263.